The following is an entry in ClinVar:

ClinVar aggregate classification (germline): Uncertain significance (1 of 4 stars; one submission).

Conditions:
RYR1-related disorder. Also called: RYR1-related condition; RYR1-related disorders. Identifiers: MedGen CN239331.

gnomAD v4.1: 1 of 1,614,248 alleles (0.000062%); highest among the groups gnomAD compares: Non-Finnish European, 0.000085%; no homozygotes.

Submission:

Labcorp Genetics (formerly Invitae), Labcorp
Classification: Uncertain significance for RYR1-related disorder. Last evaluated: 2022-08-22. Review status: criteria provided, single submitter. Criteria: Invitae Variant Classification Sherloc (09022015). Collection method: clinical testing. Allele origin: germline.
Comment: ClinVar contains an entry for this variant (Variation ID: 544427). Advanced modeling of protein sequence and biophysical properties (such as structural, functional, and spatial information, amino acid conservation, physicochemical variation, residue mobility, and thermodynamic stability) performed at Invitae indicates that this missense variant is not expected to disrupt RYR1 protein function. This variant has not been reported in the literature in individuals affected with RYR1-related conditions. This variant is not present in population databases (gnomAD no frequency). This sequence change replaces glycine, which is neutral and non-polar, with alanine, which is neutral and non-polar, at codon 3091 of the RYR1 protein (p.Gly3091Ala). In summary, the available evidence is currently insufficient to determine the role of this variant in disease. Therefore, it has been classified as a Variant of Uncertain Significance.

NM_000540.3(RYR1):c.9272G>C (p.Gly3091Ala)

Gene: RYR1 (ryanodine receptor 1; plus strand). Cytogenetic location: 19q13.2.
Variant type: single nucleotide variant.
Coding change: c.9272G>C on transcript NM_000540.3 (MANE Select); coding-DNA position 9272, G replaced by C.
Protein change: p.Gly3091Ala; replaces glycine 3091 with alanine.
Molecular consequence: missense variant.
Genome position (GRCh38, 1-based): chr19:38,512,283, G>C. VCF-style: chr19-38512283-G-C. GRCh37 (hg19) VCF-style: chr19-39002923-G-C.
Other names: c.9272G>C, p.Gly3091Ala (NM_001042723.2); short protein forms G3091A.
Identifiers: ClinVar variation 544427 (VCV000544427.6), dbSNP rs1555787328, ClinGen allele CA405686264.